The following is an entry in ClinVar:

ClinVar aggregate classification (germline): Uncertain significance (1 of 4 stars; one submission).

Conditions:
Telangiectasia, hereditary hemorrhagic, type 5 (HHT5). Identifiers: Orphanet 774, MedGen C3809710, MONDO:0014217, OMIM 615506.

Submission:

Labcorp Genetics (formerly Invitae), Labcorp
Classification: Uncertain significance for Telangiectasia, hereditary hemorrhagic, type 5. Last evaluated: 2025-11-21. Review status: criteria provided, single submitter. Criteria: Invitae Variant Classification Sherloc (09022015). Collection method: clinical testing. Allele origin: germline.
Comment: This sequence change replaces serine, which is neutral and polar, with asparagine, which is neutral and polar, at codon 184 of the GDF2 protein (p.Ser184Asn). This variant is not present in population databases (gnomAD no frequency). This variant has not been reported in the literature in individuals affected with GDF2-related conditions. An algorithm developed to predict the effect of missense changes on protein structure and function (PolyPhen-2) suggests that this variant is likely to be tolerated. In summary, the available evidence is currently insufficient to determine the role of this variant in disease. Therefore, it has been classified as a Variant of Uncertain Significance.

NM_016204.4(GDF2):c.551G>A (p.Ser184Asn)

Gene: GDF2 (growth differentiation factor 2; plus strand). Cytogenetic location: 10q11.22.
Variant type: single nucleotide variant.
Coding change: c.551G>A on transcript NM_016204.4 (MANE Select); coding-DNA position 551, G replaced by A.
Protein change: p.Ser184Asn; replaces serine 184 with asparagine.
Molecular consequence: missense variant.
Genome position (GRCh38, 1-based): chr10:47,325,045, G>A. VCF-style: chr10-47325045-G-A. GRCh37 (hg19) VCF-style: chr10-48414317-C-T.
Other names: short protein forms S184N.
Identifiers: ClinVar variation 4704562 (VCV004704562.1).